The following is an entry in ClinVar:

ClinVar aggregate classification (germline): Conflicting classifications of pathogenicity. Review status: criteria provided, conflicting classifications (1 of 4 stars). 3 submissions from 3 submitters: Uncertain significance (2); Likely benign (1). Last evaluated 2025-11-03.

Conditions:
Inborn genetic diseases. Identifiers: MedGen C0950123, MeSH D030342.
Baller-Gerold syndrome (BGS). Also called: CRANIOSYNOSTOSIS WITH RADIAL DEFECTS. Identifiers: Orphanet 1225, MedGen C0265308, MONDO:0009039, OMIM 218600.

Allele frequency attached by ClinVar (database versions not stated): gnomAD 0.00001; gnomAD exomes 0.00001; TOPMed 0.00001.
gnomAD v4.1: 11 of 1,572,170 alleles (0.0007%); highest among the groups gnomAD compares: African/African-American, 0.0014%; no homozygotes.

Submissions (3):

Labcorp Genetics (formerly Invitae), Labcorp
Classification: Uncertain significance for Baller-Gerold syndrome. Last evaluated: 2025-11-03. Review status: criteria provided, single submitter. Criteria: Invitae Variant Classification Sherloc (09022015). Collection method: clinical testing. Allele origin: germline.
Comment: This sequence change replaces proline, which is neutral and non-polar, with leucine, which is neutral and non-polar, at codon 861 of the RECQL4 protein (p.Pro861Leu). This variant is present in population databases (no rsID available, gnomAD 0.002%). This variant has not been reported in the literature in individuals affected with RECQL4-related conditions. ClinVar contains an entry for this variant (Variation ID: 239740). Invitae Evidence Modeling of protein sequence and biophysical properties (such as structural, functional, and spatial information, amino acid conservation, physicochemical variation, residue mobility, and thermodynamic stability) indicates that this missense variant is not expected to disrupt RECQL4 protein function with a negative predictive value of 80%. In summary, the available evidence is currently insufficient to determine the role of this variant in disease. Therefore, it has been classified as a Variant of Uncertain Significance.

Ambry Genetics
Classification: Uncertain significance for Inborn genetic diseases. Last evaluated: 2025-06-28. Review status: criteria provided, single submitter. Criteria: Ambry Variant Classification Scheme 2023. Collection method: clinical testing. Allele origin: germline.
Comment: The p.P861L variant (also known as c.2582C>T), located in coding exon 15 of the RECQL4 gene, results from a C to T substitution at nucleotide position 2582. The proline at codon 861 is replaced by leucine, an amino acid with similar properties. This amino acid position is conserved. In addition, this alteration is predicted to be tolerated by in silico analysis. Based on the available evidence, the clinical significance of this variant remains unclear.

Blueprint Genetics
Classification: Likely benign. Last evaluated: 2024-09-30. Review status: criteria provided, single submitter. Criteria: ACMG Guidelines, 2015. Collection method: clinical testing. Allele origin: germline.

NM_004260.4(RECQL4):c.2582C>T (p.Pro861Leu)

Gene: RECQL4 (RecQ like helicase 4; minus strand). Cytogenetic location: 8q24.3.
Variant type: single nucleotide variant.
Coding change: c.2582C>T on transcript NM_004260.4 (MANE Select); coding-DNA position 2582, C replaced by T.
Protein change: p.Pro861Leu; replaces proline 861 with leucine.
Molecular consequence: missense variant.
Genome position (GRCh38, 1-based): chr8:144,513,020, G>A on the plus strand (C>T on the coding strand, the complement: RECQL4 is on the minus strand). VCF-style: chr8-144513020-G-A. GRCh37 (hg19) VCF-style: chr8-145738403-G-A.
Other names: short protein forms P861L.
Identifiers: ClinVar variation 239740 (VCV000239740.8), dbSNP rs878854647, ClinGen allele CA10582562.